The following is an entry in ClinVar:

ClinVar aggregate classification (germline): Benign (1 of 4 stars; one submission).

Allele frequency attached by ClinVar (database versions not stated): 1000 Genomes Project 0.00319; 1000 Genomes Project 30x 0.00328; TOPMed 0.00965; ESP Exome Variant Server 0.01276.
gnomAD v4.1: 24,937 of 1,605,254 alleles (1.6%); highest among the groups gnomAD compares: Non-Finnish European, 1.8%; 209 homozygotes.

Submission:

CeGaT Center for Human Genetics Tuebingen
Classification: Benign. Last evaluated: 2023-09-01. Review status: criteria provided, single submitter. Criteria: CeGaT Center For Human Genetics Tuebingen Variant Classification Criteria Version 2. Collection method: clinical testing. Allele origin: germline. Affected: yes. Observed: 2 variant alleles.
Comment: ACAD9: BS1, BS2

NM_014049.5(ACAD9):c.1564-51G>A

Genes: ACAD9 (acyl-CoA dehydrogenase family member 9; plus strand), CFAP92 (cilia and flagella associated protein 92 (putative); minus strand). Cytogenetic location: 3q21.3.
Variant type: single nucleotide variant.
Coding change: c.1564-51G>A on transcript NM_014049.5 (MANE Select); 51 bases into the intron before coding-DNA position 1564, G replaced by A.
Molecular consequence: intron variant. On other transcripts: 3 prime UTR variant (3).
Genome position (GRCh38, 1-based): chr3:128,909,970, G>A. VCF-style: chr3-128909970-G-A. GRCh37 (hg19) VCF-style: chr3-128628813-G-A.
Other names: c.*329C>T (NM_001348520.2, NM_001348521.2, NM_001394090.1); c.1195-51G>A (NM_001410805.1).
Identifiers: ClinVar variation 2654113 (VCV002654113.24), dbSNP rs115174494, ClinGen allele CA2601600.